The following is an entry in ClinVar:

ClinVar aggregate classification (germline): Uncertain significance (1 of 4 stars; one submission).

Conditions:
Fanconi anemia complementation group E (FANCE). Also called: FANCE-Related Fanconi Anemia. Identifiers: Orphanet 84, MedGen C3160739, MONDO:0010953, OMIM 600901.

gnomAD v4.1: 26 of 1,300,974 alleles (0.002%); highest among the groups gnomAD compares: Non-Finnish European, 0.0024%; no homozygotes.

Submission:

Labcorp Genetics (formerly Invitae), Labcorp
Classification: Uncertain significance for Fanconi anemia complementation group E. Last evaluated: 2025-01-27. Review status: criteria provided, single submitter. Criteria: Invitae Variant Classification Sherloc (09022015). Collection method: clinical testing. Allele origin: germline.
Comment: This sequence change replaces proline, which is neutral and non-polar, with serine, which is neutral and polar, at codon 77 of the FANCE protein (p.Pro77Ser). This variant is not present in population databases (gnomAD no frequency). This variant has not been reported in the literature in individuals affected with FANCE-related conditions. ClinVar contains an entry for this variant (Variation ID: 1424338). Invitae Evidence Modeling of protein sequence and biophysical properties (such as structural, functional, and spatial information, amino acid conservation, physicochemical variation, residue mobility, and thermodynamic stability) indicates that this missense variant is expected to disrupt FANCE protein function with a positive predictive value of 80%. In summary, the available evidence is currently insufficient to determine the role of this variant in disease. Therefore, it has been classified as a Variant of Uncertain Significance.

NM_021922.3(FANCE):c.229C>T (p.Pro77Ser)

Genes: FANCE (FA complementation group E; plus strand), LOC129996245 (ATAC-STARR-seq lymphoblastoid silent region 17092; plus strand). Cytogenetic location: 6p21.31.
Variant type: single nucleotide variant.
Coding change: c.229C>T on transcript NM_021922.3 (MANE Select); coding-DNA position 229, C replaced by T.
Protein change: p.Pro77Ser; replaces proline 77 with serine.
Molecular consequence: missense variant.
Genome position (GRCh38, 1-based): chr6:35,452,774, C>T. VCF-style: chr6-35452774-C-T. GRCh37 (hg19) VCF-style: chr6-35420551-C-T.
Other names: short protein forms P77S.
Identifiers: ClinVar variation 1424338 (VCV001424338.6), dbSNP rs587778335, ClinGen allele CA137292438.